The following is an entry in ClinVar:

ClinVar aggregate classification (germline): Uncertain significance (1 of 4 stars; one submission).

gnomAD v4.1: 7 of 1,614,080 alleles (0.00043%); highest among the groups gnomAD compares: Admixed American, 0.0083%; no homozygotes.

Submission:

Labcorp Genetics (formerly Invitae), Labcorp
Classification: Uncertain significance. Last evaluated: 2023-09-08. Review status: criteria provided, single submitter. Criteria: Invitae Variant Classification Sherloc (09022015). Collection method: clinical testing. Allele origin: germline.
Comment: In summary, the available evidence is currently insufficient to determine the role of this variant in disease. Therefore, it has been classified as a Variant of Uncertain Significance. Algorithms developed to predict the effect of sequence changes on RNA splicing suggest that this variant may disrupt the consensus splice site. This variant has not been reported in the literature in individuals affected with CDAN1-related conditions. This variant is present in population databases (no rsID available, gnomAD 0.003%). This sequence change falls in intron 18 of the CDAN1 gene. It does not directly change the encoded amino acid sequence of the CDAN1 protein.

NM_138477.4(CDAN1):c.2542-4C>A

Gene: CDAN1 (codanin 1; minus strand). Cytogenetic location: 15q15.2.
Variant type: single nucleotide variant.
Coding change: c.2542-4C>A on transcript NM_138477.4 (MANE Select); 4 bases into the intron before coding-DNA position 2542, C replaced by A.
Molecular consequence: intron variant.
Genome position (GRCh38, 1-based): chr15:42,729,130, G>T on the plus strand (C>A on the coding strand, the complement: CDAN1 is on the minus strand). VCF-style: chr15-42729130-G-T. GRCh37 (hg19) VCF-style: chr15-43021328-G-T.
Identifiers: ClinVar variation 2888866 (VCV002888866.3), dbSNP rs147426809, ClinGen allele CA269903076.